The following is an entry in ClinVar:

NM_001164277.2(SLC37A4):c.943A>G (p.Met315Val)

Gene: SLC37A4 (solute carrier family 37 member 4; minus strand). Cytogenetic location: 11q23.3.
Variant type: single nucleotide variant.
Coding change: c.943A>G on transcript NM_001164277.2 (MANE Select); coding-DNA position 943, A replaced by G.
Protein change: p.Met315Val; replaces methionine 315 with valine.
Molecular consequence: missense variant.
Genome position (GRCh38, 1-based): chr11:119,026,008, T>C on the plus strand (A>G on the coding strand, the complement: SLC37A4 is on the minus strand). VCF-style: chr11-119026008-T-C. GRCh37 (hg19) VCF-style: chr11-118896718-T-C.
Other names: c.943A>G, p.Met315Val (NM_001164278.2, NM_001164280.2, NM_001467.6); c.724A>G, p.Met242Val (NM_001164279.2); short protein forms M242V, M315V.
Identifiers: ClinVar variation 1038940 (VCV001038940.11), dbSNP rs782475284, ClinGen allele CA6311684.

ClinVar aggregate classification (germline): Uncertain significance. Review status: criteria provided, multiple submitters, no conflicts (2 of 4 stars). 6 submissions from 5 submitters: Uncertain significance (5). 1 of the submissions does not count toward it. Last evaluated 2025-01-26.

Conditions:
Phosphate transport defect (GSD1C). Also called: GSD Ic; GLYCOGEN STORAGE DISEASE Ic. Identifiers: Orphanet 364, Orphanet 79259, MedGen C0342749, OMIM 232240.
Congenital disorder of glycosylation, type IIw. Identifiers: MedGen C5561986, MONDO:0030437, OMIM 619525.
Glucose-6-phosphate transport defect (GSD1B). Also called: GSD Ib; Glycogen Storage Disease Type Ib. Identifiers: Orphanet 364, Orphanet 79259, MedGen C0268146, MONDO:0009288, OMIM 232220.

Allele frequency attached by ClinVar (database versions not stated): gnomAD exomes 0.00002 and 0.00003; ExAC 0.00003; TOPMed 0.00003; gnomAD 0.00005.

Submissions (6):

Labcorp Genetics (formerly Invitae), Labcorp
Classification: Uncertain significance for Glucose-6-phosphate transport defect. Last evaluated: 2025-01-26. Review status: criteria provided, single submitter. Criteria: Invitae Variant Classification Sherloc (09022015). Collection method: clinical testing. Allele origin: germline.
Comment: This sequence change replaces methionine, which is neutral and non-polar, with valine, which is neutral and non-polar, at codon 315 of the SLC37A4 protein (p.Met315Val). This variant is present in population databases (rs782475284, gnomAD 0.006%). This variant has not been reported in the literature in individuals affected with SLC37A4-related conditions. ClinVar contains an entry for this variant (Variation ID: 1038940). Invitae Evidence Modeling of protein sequence and biophysical properties (such as structural, functional, and spatial information, amino acid conservation, physicochemical variation, residue mobility, and thermodynamic stability) indicates that this missense variant is not expected to disrupt SLC37A4 protein function with a negative predictive value of 80%. In summary, the available evidence is currently insufficient to determine the role of this variant in disease. Therefore, it has been classified as a Variant of Uncertain Significance.

Blueprint Genetics
Classification: Uncertain significance. Last evaluated: 2024-10-24. Review status: criteria provided, single submitter. Criteria: ACMG Guidelines, 2015. Collection method: clinical testing. Allele origin: germline.

Fulgent Genetics
Classification: Uncertain significance for Glucose-6-phosphate transport defect; Phosphate transport defect; Congenital disorder of glycosylation, type IIw. Last evaluated: 2024-02-28. Review status: criteria provided, single submitter. Criteria: ACMG Guidelines, 2015. Collection method: clinical testing. Allele origin: germline.

Genome-Nilou Lab
Classification: Uncertain significance for Glucose-6-phosphate transport defect. Last evaluated: 2021-07-22. Review status: criteria provided, single submitter. Criteria: ACMG Guidelines, 2015. Collection method: clinical testing. Allele origin: germline. Affected: no.

Genome-Nilou Lab
Classification: Uncertain significance for Phosphate transport defect. Last evaluated: 2021-07-22. Review status: criteria provided, single submitter. Criteria: ACMG Guidelines, 2015. Collection method: clinical testing. Allele origin: germline. Affected: no.

Natera, Inc.
Classification: Uncertain significance for Glycogen storage disease type Ib. Last evaluated: 2020-06-25. Review status: no assertion criteria provided. Collection method: clinical testing. Allele origin: germline. Not counted in ClinVar's aggregate classification.